The following is an entry in ClinVar:

ClinVar aggregate classification (germline): Uncertain significance (1 of 4 stars; one submission).

Submission:

Mayo Clinic Laboratories, Mayo Clinic
Classification: Uncertain significance. Last evaluated: 2023-09-01. Review status: criteria provided, single submitter. Criteria: ACMG Guidelines, 2015. Collection method: clinical testing. Allele origin: germline. Observed: 1 variant allele.
Comment: PM2_moderate

NM_001379110.1(SLC9A6):c.1034A>C (p.Tyr345Ser)

Gene: SLC9A6 (solute carrier family 9 member A6; plus strand). Cytogenetic location: Xq26.3.
Variant type: single nucleotide variant.
Coding change: c.1034A>C on transcript NM_001379110.1 (MANE Select); coding-DNA position 1034, A replaced by C.
Protein change: p.Tyr345Ser; replaces tyrosine 345 with serine.
Molecular consequence: missense variant.
Genome position (GRCh38, 1-based): chrX:136,013,391, A>C. VCF-style: chrX-136013391-A-C. GRCh37 (hg19) VCF-style: chrX-135095550-A-C.
Other names: p.Tyr365Ser; c.1190A>C, p.Tyr397Ser (NM_001042537.2); c.1034A>C, p.Tyr345Ser (NM_001177651.2, NM_001400909.1, NM_001400910.1 and 2 more transcripts); c.938A>C, p.Tyr313Ser (NM_001330652.2, NM_001400913.1); c.1094A>C, p.Tyr365Ser (NM_006359.3); short protein forms Y313S, Y345S, Y365S, Y397S.
Identifiers: ClinVar variation 3380754 (VCV003380754.1).